The following is an entry in ClinVar:

NM_024675.4(PALB2):c.2913C>A (p.Gly971=)

Gene: PALB2 (partner and localizer of BRCA2; minus strand). Cytogenetic location: 16p12.2.
Variant type: single nucleotide variant.
Coding change: c.2913C>A on transcript NM_024675.4 (MANE Select); coding-DNA position 2913, C replaced by A.
Protein change: p.Gly971=; no amino-acid change (glycine 971 retained).
Molecular consequence: synonymous variant.
Genome position (GRCh38, 1-based): chr16:23,623,052, G>T on the plus strand (C>A on the coding strand, the complement: PALB2 is on the minus strand). VCF-style: chr16-23623052-G-T. GRCh37 (hg19) VCF-style: chr16-23634373-G-T.
Identifiers: ClinVar variation 184294 (VCV000184294.18), dbSNP rs786201384, ClinGen allele CA188511.

ClinVar aggregate classification (germline): Benign/Likely benign. Review status: criteria provided, multiple submitters, no conflicts (2 of 4 stars). 4 submissions from 4 submitters: Benign (1); Likely benign (3). Last evaluated 2025-07-14.

Conditions:
Hereditary cancer-predisposing syndrome. Also called: Hereditary neoplastic syndrome; Neoplastic Syndromes, Hereditary; Tumor predisposition; Hereditary Cancer Syndrome. Identifiers: Orphanet 140162, MedGen C0027672, MeSH D009386, MONDO:0015356.
Familial cancer of breast. Also called: BREAST CANCER, FAMILIAL; Hereditary breast cancer; hereditary breast carcinoma. Identifiers: Orphanet 227535, MedGen C0346153, MONDO:0016419, OMIM 114480. Disease mechanism: loss of function.

Submissions (4):

Labcorp Genetics (formerly Invitae), Labcorp
Classification: Likely benign for Familial cancer of breast. Last evaluated: 2025-07-14. Review status: criteria provided, single submitter. Criteria: Invitae Variant Classification Sherloc (09022015). Collection method: clinical testing. Allele origin: germline.

Myriad Genetics, Inc.
Classification: Benign for Familial cancer of breast. Last evaluated: 2025-01-21. Review status: criteria provided, single submitter. Criteria: Myriad Autosomal Dominant, Autosomal Recessive and X-Linked Classification Criteria (2023). Collection method: clinical testing. Allele origin: unknown.
Comment: This variant is considered benign. This variant is a silent/synonymous amino acid change and it is not expected to impact splicing.

Ambry Genetics
Classification: Likely benign for Hereditary cancer-predisposing syndrome. Last evaluated: 2018-02-07. Review status: criteria provided, single submitter. Criteria: Ambry Variant Classification Scheme 2023. Collection method: clinical testing. Allele origin: germline.

Color Diagnostics, LLC DBA Color Health
Classification: Likely benign for Hereditary cancer-predisposing syndrome. Last evaluated: 2017-11-06. Review status: criteria provided, single submitter. Criteria: ACMG Guidelines, 2015. Collection method: clinical testing. Allele origin: germline.